The following is an entry in ClinVar:

NM_001363711.2(DUOX2):c.949C>T (p.Arg317Cys)

Gene: DUOX2 (dual oxidase 2; minus strand). Cytogenetic location: 15q21.1.
Variant type: single nucleotide variant.
Coding change: c.949C>T on transcript NM_001363711.2 (MANE Select); coding-DNA position 949, C replaced by T.
Protein change: p.Arg317Cys; replaces arginine 317 with cysteine.
Molecular consequence: missense variant.
Genome position (GRCh38, 1-based): chr15:45,110,519, G>A on the plus strand (C>T on the coding strand, the complement: DUOX2 is on the minus strand). VCF-style: chr15-45110519-G-A. GRCh37 (hg19) VCF-style: chr15-45402717-G-A.
Other names: c.949C>T, p.Arg317Cys (NM_014080.5); short protein forms R317C.
Identifiers: ClinVar variation 1406461 (VCV001406461.5), dbSNP rs1336316521, ClinGen allele CA392278180.

ClinVar aggregate classification (germline): Uncertain significance (1 of 4 stars; one submission).

Allele frequency attached by ClinVar (database versions not stated): gnomAD exomes below 0.00001; gnomAD 0.00001 and 0.00002; TOPMed 0.00001.
gnomAD v4.1: 10 of 1,613,992 alleles (0.00062%); highest among the groups gnomAD compares: Non-Finnish European, 0.00085%; no homozygotes.

Submission:

Labcorp Genetics (formerly Invitae), Labcorp
Classification: Uncertain significance. Last evaluated: 2021-08-14. Review status: criteria provided, single submitter. Criteria: Invitae Variant Classification Sherloc (09022015). Collection method: clinical testing. Allele origin: germline.
Comment: This sequence change replaces arginine with cysteine at codon 317 of the DUOX2 protein (p.Arg317Cys). The arginine residue is moderately conserved and there is a large physicochemical difference between arginine and cysteine. This variant is not present in population databases (ExAC no frequency). This variant has not been reported in the literature in individuals affected with DUOX2-related conditions. Advanced modeling of protein sequence and biophysical properties (such as structural, functional, and spatial information, amino acid conservation, physicochemical variation, residue mobility, and thermodynamic stability) performed at Invitae indicates that this missense variant is not expected to disrupt DUOX2 protein function. In summary, the available evidence is currently insufficient to determine the role of this variant in disease. Therefore, it has been classified as a Variant of Uncertain Significance.